The following is an entry in ClinVar:

NM_016734.3(PAX5):c.684G>T (p.Leu228Phe)

Gene: PAX5 (paired box 5; minus strand). Cytogenetic location: 9p13.2.
Variant type: single nucleotide variant.
Coding change: c.684G>T on transcript NM_016734.3 (MANE Select); coding-DNA position 684, G replaced by T.
Protein change: p.Leu228Phe; replaces leucine 228 with phenylalanine.
Molecular consequence: missense variant. On other transcripts: non-coding transcript variant (2).
Genome position (GRCh38, 1-based): chr9:36,966,645, C>A on the plus strand (G>T on the coding strand, the complement: PAX5 is on the minus strand). VCF-style: chr9-36966645-C-A. GRCh37 (hg19) VCF-style: chr9-36966642-C-A.
Other names: c.555G>T, p.Leu185Phe (NM_001280554.2, NM_001280553.2); c.486G>T, p.Leu162Phe (NM_001280555.2); c.360G>T, p.Leu120Phe (NM_001280556.2, NM_001280551.2); c.684G>T, p.Leu228Phe (NM_001280547.2, NM_001280548.2, NM_001280549.2 and 2 more transcripts); short protein forms L162F, L185F, L120F, L228F.
Identifiers: ClinVar variation 5026299 (VCV005026299.1).

ClinVar aggregate classification (germline): Uncertain significance (1 of 4 stars; one submission).

Conditions:
Inborn genetic diseases. Identifiers: MedGen C0950123, MeSH D030342.

Submission:

Ambry Genetics
Classification: Uncertain significance for Inborn genetic diseases. Last evaluated: 2026-07-15. Review status: criteria provided, single submitter. Criteria: Ambry Variant Classification Scheme 2023. Collection method: clinical testing. Allele origin: germline.
Comment: The p.L228F variant (also known as c.684G>T), located in coding exon 6 of the PAX5 gene, results from a G to T substitution at nucleotide position 684. The leucine at codon 228 is replaced by phenylalanine, an amino acid with highly similar properties. This amino acid position is conserved. In addition, the in silico prediction for this alteration is inconclusive. Based on the available evidence, the clinical significance of this variant remains unclear.